The following is an entry in ClinVar:

ClinVar aggregate classification (germline): Uncertain significance. Review status: criteria provided, multiple submitters, no conflicts (2 of 4 stars). 3 submissions from 3 submitters: Uncertain significance (3). Last evaluated 2025-12-18.

Conditions:
Hereditary nonpolyposis colorectal neoplasms. Identifiers: MedGen C0009405, MeSH D003123.
Lynch syndrome 4 (LYNCH4). Also called: Colorectal cancer, hereditary nonpolyposis, type 4; Hereditary non-polyposis colorectal cancer, type 4. Identifiers: Orphanet 144, MedGen C1838333, MONDO:0013699, OMIM 614337. Disease mechanism: loss of function.
Hereditary cancer-predisposing syndrome. Also called: Tumor predisposition; Hereditary Cancer Syndrome; Neoplastic Syndromes, Hereditary; Hereditary neoplastic syndrome. Identifiers: Orphanet 140162, MedGen C0027672, MeSH D009386, MONDO:0015356.

Submissions (3):

Ambry Genetics
Classification: Uncertain significance for Hereditary cancer-predisposing syndrome. Last evaluated: 2025-12-18. Review status: criteria provided, single submitter. Criteria: Ambry Variant Classification Scheme 2023. Collection method: clinical testing. Allele origin: germline.
Comment: The p.D756V variant (also known as c.2267A>T), located in coding exon 13 of the PMS2 gene, results from an A to T substitution at nucleotide position 2267. The aspartic acid at codon 756 is replaced by valine, an amino acid with highly dissimilar properties. This amino acid position is well conserved in available vertebrate species. In addition, the in silico prediction for this alteration is inconclusive. Since supporting evidence is limited at this time, the clinical significance of this alteration remains unclear.

Helix
Classification: Uncertain significance for Lynch syndrome 4. Last evaluated: 2025-10-13. Review status: criteria provided, single submitter. Criteria: ACMG Guidelines, 2015. Collection method: clinical testing. Allele origin: germline. Inheritance: Autosomal dominant inheritance.
Comment: This variant (NM_000535.7:c.2267A>T p.Asp756Val) results in the substitution of aspartic acid with valine at codon 756 in the PMS2 protein. It is a rare variant that is absent from the large gnomAD population database (v4.1). To our knowledge, this variant has not been reported in individuals with PMS2-related conditions in the published literature. In silico prediction from the HCI Database of Prior Probabilities of Pathogenicity is indeterminate. This variant is present in ClinVar (Accession: VCV000484318.13). In conclusion, since the available evidence is limited, the clinical significance of this variant is unclear at this time. Therefore, it is classified as a Variant of Uncertain Significance.

Labcorp Genetics (formerly Invitae), Labcorp
Classification: Uncertain significance for Hereditary nonpolyposis colorectal neoplasms. Last evaluated: 2025-09-15. Review status: criteria provided, single submitter. Criteria: Invitae Variant Classification Sherloc (09022015). Collection method: clinical testing. Allele origin: germline.
Comment: This sequence change replaces aspartic acid, which is acidic and polar, with valine, which is neutral and non-polar, at codon 756 of the PMS2 protein (p.Asp756Val). The frequency data for this variant in the population databases (gnomAD) is considered unreliable due to the presence of homologous sequence, such as pseudogenes or paralogs, in the genome. This variant has not been reported in the literature in individuals affected with PMS2-related conditions. ClinVar contains an entry for this variant (Variation ID: 484318). Invitae Evidence Modeling incorporating data from in vitro experimental studies (internal data) indicates that this missense variant is not expected to disrupt PMS2 function with a negative predictive value of 95%. In summary, the available evidence is currently insufficient to determine the role of this variant in disease. Therefore, it has been classified as a Variant of Uncertain Significance.

NM_000535.7(PMS2):c.2267A>T (p.Asp756Val)

Gene: PMS2 (PMS1 homolog 2, mismatch repair system component; minus strand). Cytogenetic location: 7p22.1.
Variant type: single nucleotide variant.
Coding change: c.2267A>T on transcript NM_000535.7 (MANE Select); coding-DNA position 2267, A replaced by T.
Protein change: p.Asp756Val; replaces aspartic acid 756 with valine.
Molecular consequence: missense variant. On other transcripts: non-coding transcript variant (1).
Genome position (GRCh38, 1-based): chr7:5,978,604, T>A on the plus strand (A>T on the coding strand, the complement: PMS2 is on the minus strand). VCF-style: chr7-5978604-T-A. GRCh37 (hg19) VCF-style: chr7-6018235-T-A.
Other names: c.1862A>T, p.Asp621Val (NM_001322003.2, NM_001322004.2, NM_001322005.2 and 1 more transcripts); c.2111A>T, p.Asp704Val (NM_001322006.2); c.1949A>T, p.Asp650Val (NM_001322007.2, NM_001322008.2); c.1706A>T, p.Asp569Val (NM_001322010.2); c.1334A>T, p.Asp445Val (NM_001322011.2, NM_001322012.2); c.1694A>T, p.Asp565Val (NM_001322013.2); c.2267A>T, p.Asp756Val (NM_001322014.2); c.1958A>T, p.Asp653Val (NM_001322015.2); short protein forms D756V, D445V, D650V, D569V, D621V, D704V, D565V, D653V.
Identifiers: ClinVar variation 484318 (VCV000484318.17), dbSNP rs1554294409, ClinGen allele CA366736447.